The following is an entry in ClinVar:

NM_000298.6(PKLR):c.694+2T>G

Gene: PKLR (pyruvate kinase L/R; minus strand). Cytogenetic location: 1q22.
Variant type: single nucleotide variant.
Coding change: c.694+2T>G on transcript NM_000298.6 (MANE Select); the canonical splice donor site of the intron after coding-DNA position 694, T replaced by G.
Molecular consequence: splice donor variant.
Genome position (GRCh38, 1-based): chr1:155,295,114, A>C on the plus strand (T>G on the coding strand, the complement: PKLR is on the minus strand). VCF-style: chr1-155295114-A-C. GRCh37 (hg19) VCF-style: chr1-155264905-A-C.
Other names: c.601+2T>G (NM_181871.4).
Identifiers: ClinVar variation 2956937 (VCV002956937.4), dbSNP rs1193321501, ClinGen allele CA342754951.

ClinVar aggregate classification (germline): Pathogenic/Likely pathogenic. Review status: criteria provided, multiple submitters, no conflicts (2 of 4 stars). 2 submissions from 2 submitters: Pathogenic (1); Likely pathogenic (1). Last evaluated 2024-04-03.

Conditions:
Pyruvate kinase deficiency of red cells (CNSHA2). Also called: Pyruvate kinase deficiency, Amish type; PK DEFICIENCY; PYRUVATE KINASE DEFICIENCY OF ERYTHROCYTE. Identifiers: Orphanet 766, MedGen C0340968, MONDO:0009950, OMIM 266200.

Allele frequency attached by ClinVar (database versions not stated): TOPMed 0.00002.
gnomAD v4.1: 1 of 1,613,840 alleles (0.000062%); no homozygotes.

Submissions (2):

Labcorp Genetics (formerly Invitae), Labcorp
Classification: Likely pathogenic. Last evaluated: 2024-04-03. Review status: criteria provided, single submitter. Criteria: Invitae Variant Classification Sherloc (09022015). Collection method: clinical testing. Allele origin: germline.
Comment: This sequence change affects a donor splice site in intron 5 of the PKLR gene. It is expected to disrupt RNA splicing. Variants that disrupt the donor or acceptor splice site typically lead to a loss of protein function (PMID: 16199547), and loss-of-function variants in PKLR are known to be pathogenic (PMID: 15953013, 26832193). This variant is not present in population databases (gnomAD no frequency). This variant has not been reported in the literature in individuals affected with PKLR-related conditions. Algorithms developed to predict the effect of sequence changes on RNA splicing suggest that this variant may disrupt the consensus splice site. In summary, the currently available evidence indicates that the variant is pathogenic, but additional data are needed to prove that conclusively. Therefore, this variant has been classified as Likely Pathogenic.

3billion
Classification: Pathogenic for Pyruvate kinase deficiency of red cells. Last evaluated: 2024-02-15. Review status: criteria provided, single submitter. Criteria: ACMG Guidelines, 2015. Collection method: clinical testing. Allele origin: germline. Affected: yes.
Comment: The variant is not observed in the gnomAD v2.1.1 dataset. Predicted Consequence/Location: Canonical splice site: predicted to alter splicing and result in a loss or disruption of normal protein function. Multiple pathogenic loss-of-function variants are reported downstream of the variant. Therefore, this variant is classified as Pathogenic according to the recommendation of ACMG/AMP guideline.

Literature cited by the submitters: PubMed 16199547 (cited by Labcorp Genetics (formerly Invitae), Labcorp); PubMed 15953013 (cited by Labcorp Genetics (formerly Invitae), Labcorp); PubMed 26832193 (cited by Labcorp Genetics (formerly Invitae), Labcorp).